The following is an entry in ClinVar:

ClinVar aggregate classification (germline): Uncertain significance (1 of 4 stars; one submission).

Conditions:
Autosomal recessive limb-girdle muscular dystrophy type R18 (LGMDR18). Also called: MUSCULAR DYSTROPHY, LIMB-GIRDLE, AUTOSOMAL RECESSIVE 18; Limb-girdle muscular dystrophy, type 2S; Autosomal recessive limb-girdle muscular dystrophy type 2S. Identifiers: Orphanet 369840, MedGen C4517996, MONDO:0014144, OMIM 615356.

Submission:

Labcorp Genetics (formerly Invitae), Labcorp
Classification: Uncertain significance for Autosomal recessive limb-girdle muscular dystrophy type R18. Last evaluated: 2020-05-10. Review status: criteria provided, single submitter. Criteria: Invitae Variant Classification Sherloc (09022015). Collection method: clinical testing. Allele origin: germline.
Comment: This variant has not been reported in the literature in individuals with TRAPPC11-related conditions. Algorithms developed to predict the effect of missense changes on protein structure and function are either unavailable or do not agree on the potential impact of this missense change (SIFT: "Deleterious"; PolyPhen-2: "Possibly Damaging"; Align-GVGD: "Class C0"). In summary, the available evidence is currently insufficient to determine the role of this variant in disease. Therefore, it has been classified as a Variant of Uncertain Significance. This variant is not present in population databases (ExAC no frequency). This sequence change replaces cysteine with serine at codon 872 of the TRAPPC11 protein (p.Cys872Ser). The cysteine residue is highly conserved and there is a moderate physicochemical difference between cysteine and serine.

NM_021942.6(TRAPPC11):c.2615G>C (p.Cys872Ser)

Gene: TRAPPC11 (trafficking protein particle complex subunit 11; plus strand). Cytogenetic location: 4q35.1.
Variant type: single nucleotide variant.
Coding change: c.2615G>C on transcript NM_021942.6 (MANE Select); coding-DNA position 2615, G replaced by C.
Protein change: p.Cys872Ser; replaces cysteine 872 with serine.
Molecular consequence: missense variant.
Genome position (GRCh38, 1-based): chr4:183,694,710, G>C. VCF-style: chr4-183694710-G-C. GRCh37 (hg19) VCF-style: chr4-184615863-G-C.
Other names: c.2615G>C, p.Cys872Ser (NM_199053.3); short protein forms C872S.
Identifiers: ClinVar variation 1059249 (VCV001059249.9), dbSNP rs936358583, ClinGen allele CA111859368.